The following is an entry in ClinVar:

ClinVar aggregate classification (germline): Uncertain significance (1 of 4 stars; one submission).

Conditions:
CEP164-related disorder. Also called: CEP164-related condition.

gnomAD v4.1: 7 of 1,612,754 alleles (0.00043%); highest among the groups gnomAD compares: Non-Finnish European, 0.00059%; no homozygotes.

Submission:

PreventionGenetics, part of Exact Sciences
Classification: Uncertain significance for CEP164-related condition. Last evaluated: 2026-02-17. Review status: criteria provided, single submitter. Criteria: ACMG Guidelines, 2015. Collection method: clinical testing. Allele origin: germline.
Comment: The CEP164 c.298C>T variant is predicted to result in the amino acid substitution p.Arg100Trp. To our knowledge, this variant has not been reported in the literature or in a large population database (gnomAD), indicating this variant is rare. At this time, the clinical significance of this variant is uncertain due to the absence of conclusive functional and genetic evidence.

NM_014956.5(CEP164):c.298C>T (p.Arg100Trp)

Gene: CEP164 (centrosomal protein 164; plus strand). Cytogenetic location: 11q23.3.
Variant type: single nucleotide variant.
Coding change: c.298C>T on transcript NM_014956.5 (MANE Select); coding-DNA position 298, C replaced by T.
Protein change: p.Arg100Trp; replaces arginine 100 with tryptophan.
Molecular consequence: missense variant.
Genome position (GRCh38, 1-based): chr11:117,351,893, C>T. VCF-style: chr11-117351893-C-T. GRCh37 (hg19) VCF-style: chr11-117222609-C-T.
Other names: c.298C>T, p.Arg100Trp (NM_001440958.1, NM_001440959.1, NM_001440961.1 and 36 more transcripts); c.160C>T, p.Arg54Trp (NM_001440960.1); short protein forms R54W, R100W.
Identifiers: ClinVar variation 4992949 (VCV004992949.1).